The following is an entry in ClinVar:

NM_000065.5(C6):c.1612G>A (p.Glu538Lys)

Gene: C6 (complement C6; minus strand). Cytogenetic location: 5p13.1.
Variant type: single nucleotide variant.
Coding change: c.1612G>A on transcript NM_000065.5 (MANE Select); coding-DNA position 1612, G replaced by A.
Protein change: p.Glu538Lys; replaces glutamic acid 538 with lysine.
Molecular consequence: missense variant.
Genome position (GRCh38, 1-based): chr5:41,160,214, C>T on the plus strand (G>A on the coding strand, the complement: C6 is on the minus strand). VCF-style: chr5-41160214-C-T. GRCh37 (hg19) VCF-style: chr5-41160316-C-T.
Other names: c.1612G>A, p.Glu538Lys (NM_001115131.4); c.1612G>A (NM_000065.2); short protein forms E538K.
Identifiers: ClinVar variation 1400677 (VCV001400677.7), dbSNP rs780174708, ClinGen allele CA3252406.
Genomic context (GRCh38, chr5:41,160,214, plus strand): 5'-CTGGAGACTGTTTCTCACAGTTCTCACCATAGGTGCCACTCTGACACACACACAGACATT[C>T]AGTCCCTGAGAGGGTGGGTCGGCCATTATTAGGGCATGGAGCACACTGGCAAGGATCGAA-3'
Protein context (NP_000056.2, residues 528-548): NNGRPTLSGT[Glu538Lys]CLCVCQSGTY

ClinVar aggregate classification (germline): Uncertain significance. Review status: criteria provided, multiple submitters, no conflicts (2 of 4 stars). 2 submissions from 2 submitters: Uncertain significance (2). Last evaluated 2022-04-13.

Conditions:
Inborn genetic diseases. Identifiers: MedGen C0950123, MeSH D030342.

Allele frequency attached by ClinVar (database versions not stated): ExAC 0.00001; gnomAD 0.00001; gnomAD exomes 0.00001; TOPMed 0.00001.
gnomAD v4.1: 21 of 1,613,820 alleles (0.0013%); highest among the groups gnomAD compares: Non-Finnish European, 0.0018%; no homozygotes.

Submissions (2):

Ambry Genetics
Classification: Uncertain significance for Inborn genetic diseases. Last evaluated: 2022-04-13. Review status: criteria provided, single submitter. Criteria: Ambry Variant Classification Scheme 2023. Collection method: clinical testing. Allele origin: germline.

Labcorp Genetics (formerly Invitae), Labcorp
Classification: Uncertain significance. Last evaluated: 2021-06-13. Review status: criteria provided, single submitter. Criteria: Invitae Variant Classification Sherloc (09022015). Collection method: clinical testing. Allele origin: germline.
Comment: In summary, the available evidence is currently insufficient to determine the role of this variant in disease. Therefore, it has been classified as a Variant of Uncertain Significance. Algorithms developed to predict the effect of missense changes on protein structure and function are either unavailable or do not agree on the potential impact of this missense change (SIFT: "Deleterious"; PolyPhen-2: "Possibly Damaging"; Align-GVGD: "Class C0"). This variant has not been reported in the literature in individuals with C6-related conditions. This variant is present in population databases (rs780174708, ExAC 0.001%). This sequence change replaces glutamic acid with lysine at codon 538 of the C6 protein (p.Glu538Lys). The glutamic acid residue is highly conserved and there is a small physicochemical difference between glutamic acid and lysine.